The following is an entry in ClinVar:

ClinVar aggregate classification (germline): Likely benign. Review status: criteria provided, multiple submitters, no conflicts (2 of 4 stars). 3 submissions from 3 submitters: Likely benign (3). Last evaluated 2025-05-05.

Conditions:
ITGA2-related disorder. Also called: ITGA2-related condition.

Allele frequency attached by ClinVar (database versions not stated): gnomAD exomes 0.00009 and 0.00022; ExAC 0.00024; 1000 Genomes Project 0.00100; gnomAD 0.00106 and 0.00115; TOPMed 0.00106; ESP Exome Variant Server 0.00123; 1000 Genomes Project 30x 0.00141.

Submissions (3):

PreventionGenetics, part of Exact Sciences
Classification: Likely benign for ITGA2-related condition. Last evaluated: 2025-05-05. Review status: criteria provided, single submitter. Criteria: ACMG Guidelines, 2015. Collection method: clinical testing. Allele origin: germline.
Comment: This variant is classified as likely benign based on ACMG/AMP sequence variant interpretation guidelines (Richards et al. 2015 PMID: 25741868, with internal and published modifications).

Blueprint Genetics
Classification: Likely benign. Last evaluated: 2024-07-30. Review status: criteria provided, single submitter. Criteria: ACMG Guidelines, 2015. Collection method: clinical testing. Allele origin: germline.

Labcorp Genetics (formerly Invitae), Labcorp
Classification: Likely benign. Last evaluated: 2019-12-31. Review status: criteria provided, single submitter. Criteria: Invitae Variant Classification Sherloc (09022015). Collection method: clinical testing. Allele origin: germline.

NM_002203.4(ITGA2):c.1944-7C>A

Gene: ITGA2 (integrin subunit alpha 2; plus strand). Cytogenetic location: 5q11.2.
Variant type: single nucleotide variant.
Coding change: c.1944-7C>A on transcript NM_002203.4 (MANE Select); 7 bases into the intron before coding-DNA position 1944, C replaced by A.
Molecular consequence: intron variant.
Genome position (GRCh38, 1-based): chr5:53,067,111, C>A. VCF-style: chr5-53067111-C-A. GRCh37 (hg19) VCF-style: chr5-52362941-C-A.
Identifiers: ClinVar variation 739011 (VCV000739011.6), dbSNP rs145823805, ClinGen allele CA3263045.